The following is an entry in ClinVar:

ClinVar aggregate classification (germline): Conflicting classifications of pathogenicity. Review status: criteria provided, conflicting classifications (1 of 4 stars). 2 submissions from 2 submitters: Pathogenic (1); Uncertain significance (1). Last evaluated 2026-08-11.

Conditions:
Cobalamin C disease. Also called: Cobalamin-C methylmalonic acidemia and homocystinuria; Methylmalonic acidemia and homocystinuria cblC type; Methylmalonic aciduria and homocystinuria, Vitamin B12-responsive; Vitamin B12 metabolic defect with combined deficiency of methylmalonyl-CoA mutase and homocysteine:methyltetrahydrofolate methyltransferase; Methylmalonic aciduria with homocystinuria cblC type; methylmalonic aciduria and homocystinuria type cblC. Identifiers: Orphanet 26, Orphanet 79282, MedGen C1848561, MONDO:0010184, OMIM 277400.

Submissions (2):

Myriad Genetics, Inc.
Classification: Uncertain significance for Cobalamin C disease. Last evaluated: 2026-08-11. Review status: criteria provided, single submitter. Criteria: Myriad Autosomal Dominant, Autosomal Recessive and X-Linked Classification Criteria (2023). Collection method: clinical testing. Allele origin: unknown.
Comment: NM_015506.2(MMACHC):c.449T>A(I150K) is a missense variant classified as a variant of uncertain significance in the context of methylmalonic aciduria and homocystinuria, cblC type. I150K has been observed in a case with relevant disease (PMID: 36543571). Relevant functional assessments of this variant are not available in the literature. I150K has not been observed in referenced population frequency databases. In summary, there is insufficient evidence to classify NM_015506.2(MMACHC):c.449T>A(I150K) as pathogenic or benign. Please note: this variant was assessed in the context of healthy population screening.

Labcorp Genetics (formerly Invitae), Labcorp
Classification: Pathogenic for Cobalamin C disease. Last evaluated: 2023-01-28. Review status: criteria provided, single submitter. Criteria: Invitae Variant Classification Sherloc (09022015). Collection method: clinical testing. Allele origin: germline.
Comment: For these reasons, this variant has been classified as Pathogenic. This sequence change replaces isoleucine, which is neutral and non-polar, with lysine, which is basic and polar, at codon 150 of the MMACHC protein (p.Ile150Lys). This variant is not present in population databases (gnomAD no frequency). This missense change has been observed in individual(s) with cobalamin C deficiency (Invitae). In at least one individual the data is consistent with being in trans (on the opposite chromosome) from a pathogenic variant. ClinVar contains an entry for this variant (Variation ID: 1076507). Algorithms developed to predict the effect of missense changes on protein structure and function (SIFT, PolyPhen-2, Align-GVGD) all suggest that this variant is likely to be disruptive. This variant disrupts the p.Ile150 amino acid residue in MMACHC. Other variant(s) that disrupt this residue have been observed in individuals with MMACHC-related conditions (PMID: 32058304), which suggests that this may be a clinically significant amino acid residue.

Literature cited by the submitters: PubMed 36543571 (cited by Myriad Genetics, Inc.); PubMed 32058304 (cited by Labcorp Genetics (formerly Invitae), Labcorp).

NM_015506.3(MMACHC):c.449T>A (p.Ile150Lys)

Gene: MMACHC (metabolism of cobalamin associated C; plus strand). Cytogenetic location: 1p34.1.
Variant type: single nucleotide variant.
Coding change: c.449T>A on transcript NM_015506.3 (MANE Select); coding-DNA position 449, T replaced by A.
Protein change: p.Ile150Lys; replaces isoleucine 150 with lysine.
Molecular consequence: missense variant.
Genome position (GRCh38, 1-based): chr1:45,508,815, T>A. VCF-style: chr1-45508815-T-A. GRCh37 (hg19) VCF-style: chr1-45974487-T-A.
Other names: c.278T>A, p.Ile93Lys (NM_001330540.2); short protein forms I150K, I93K.
Identifiers: ClinVar variation 1076507 (VCV001076507.10), dbSNP rs756413692, ClinGen allele CA340133046.